The following is an entry in ClinVar:

ClinVar aggregate classification (germline): Uncertain significance (1 of 4 stars; one submission).

Conditions:
Alpha thalassemia-X-linked intellectual disability syndrome (ATRX). Also called: ALPHA-THALASSEMIA/MENTAL RETARDATION SYNDROME, X-LINKED; ATR, NONDELETION TYPE; ATR-X syndrome; Alpha thalassemia mental retardation syndrome, nondeletion type, X-linked; XLMR hypotonic face syndrome; X-linked alpha-thalassemia-mental retardation syndrome. Identifiers: Orphanet 847, MedGen C1845055, MONDO:0010519, OMIM 301040.

Submission:

Labcorp Genetics (formerly Invitae), Labcorp
Classification: Uncertain significance for Alpha thalassemia-X-linked intellectual disability syndrome. Last evaluated: 2024-12-22. Review status: criteria provided, single submitter. Criteria: Invitae Variant Classification Sherloc (09022015). Collection method: clinical testing. Allele origin: germline.
Comment: This sequence change replaces lysine, which is basic and polar, with glutamine, which is neutral and polar, at codon 2067 of the ATRX protein (p.Lys2067Gln). This variant is not present in population databases (gnomAD no frequency). This variant has not been reported in the literature in individuals affected with ATRX-related conditions. Invitae Evidence Modeling of protein sequence and biophysical properties (such as structural, functional, and spatial information, amino acid conservation, physicochemical variation, residue mobility, and thermodynamic stability) indicates that this missense variant is not expected to disrupt ATRX protein function with a negative predictive value of 95%. In summary, the available evidence is currently insufficient to determine the role of this variant in disease. Therefore, it has been classified as a Variant of Uncertain Significance.

NM_000489.6(ATRX):c.6199A>C (p.Lys2067Gln)

Gene: ATRX (ATRX chromatin remodeler; minus strand). Cytogenetic location: Xq21.1.
Variant type: single nucleotide variant.
Coding change: c.6199A>C on transcript NM_000489.6 (MANE Select); coding-DNA position 6199, A replaced by C.
Protein change: p.Lys2067Gln; replaces lysine 2067 with glutamine.
Molecular consequence: missense variant.
Genome position (GRCh38, 1-based): chrX:77,589,852, T>G on the plus strand (A>C on the coding strand, the complement: ATRX is on the minus strand). VCF-style: chrX-77589852-T-G. GRCh37 (hg19) VCF-style: chrX-76845322-T-G.
Other names: c.6085A>C, p.Lys2029Gln (NM_138270.5); short protein forms K2029Q, K2067Q.
Identifiers: ClinVar variation 3634981 (VCV003634981.2).